The following is an entry in ClinVar:

NM_000492.4(CFTR):c.587C>T (p.Ala196Val)

Gene: CFTR (CF transmembrane conductance regulator; plus strand). Cytogenetic location: 7q31.2.
Variant type: single nucleotide variant.
Coding change: c.587C>T on transcript NM_000492.4 (MANE Select); coding-DNA position 587, C replaced by T.
Protein change: p.Ala196Val; replaces alanine 196 with valine.
Molecular consequence: missense variant.
Genome position (GRCh38, 1-based): chr7:117,535,255, C>T. VCF-style: chr7-117535255-C-T. GRCh37 (hg19) VCF-style: chr7-117175309-C-T.
Other names: short protein forms A196V.
Identifiers: ClinVar variation 861611 (VCV000861611.8), dbSNP rs1204822296, ClinGen allele CA368976723.
Genomic context (GRCh38, chr7:117,535,255, plus strand): 5'-CTAGGGGTGGAAGATACAATGACACCTGTTTTTGCTGTGCTTTTATTTTCCAGGGACTTG[C>T]ATTGGCACATTTCGTGTGGATCGCTCCTTTGCAAGTGGCACTCCTCATGGGGCTAATCTG-3'
Protein context (NP_000483.3, residues 186-206): NNLNKFDEGL[Ala196Val]LAHFVWIAPL

ClinVar aggregate classification (germline): Uncertain significance. Review status: criteria provided, single submitter (1 of 4 stars). 2 submissions from 2 submitters: Uncertain significance (1). 1 of the submissions does not count toward it. Last evaluated 2021-08-27.

Conditions:
Cystic fibrosis (CF). Also called: MUCOVISCIDOSIS. Identifiers: Orphanet 586, MedGen C0010674, MONDO:0009061, OMIM 219700. Disease mechanism: loss of function.

Allele frequency attached by ClinVar (database versions not stated): gnomAD exomes 0.00001 and below 0.00001.
gnomAD v4.1: 13 of 1,614,090 alleles (0.00081%); highest among the groups gnomAD compares: Non-Finnish European, 0.001%; no homozygotes.

Submissions (2):

Labcorp Genetics (formerly Invitae), Labcorp
Classification: Uncertain significance for Cystic fibrosis. Last evaluated: 2021-08-27. Review status: criteria provided, single submitter. Criteria: Invitae Variant Classification Sherloc (09022015). Collection method: clinical testing. Allele origin: germline.
Comment: This sequence change replaces alanine with valine at codon 196 of the CFTR protein (p.Ala196Val). The alanine residue is moderately conserved and there is a small physicochemical difference between alanine and valine. This variant is not present in population databases (ExAC no frequency). This variant has not been reported in the literature in individuals affected with CFTR-related conditions. Algorithms developed to predict the effect of missense changes on protein structure and function (SIFT, PolyPhen-2, Align-GVGD) all suggest that this variant is likely to be tolerated. In summary, the available evidence is currently insufficient to determine the role of this variant in disease. Therefore, it has been classified as a Variant of Uncertain Significance.

Natera, Inc.
Classification: Uncertain significance for Cystic Fibrosis. Last evaluated: 2020-09-16. Review status: no assertion criteria provided. Collection method: clinical testing. Allele origin: germline. Not counted in ClinVar's aggregate classification.